The following is an entry in ClinVar:

ClinVar aggregate classification (germline): Likely benign (1 of 4 stars; one submission).

Conditions:
Lathosterolosis. Also called: SC5D DEFICIENCY; STEROL C5-DESATURASE DEFICIENCY. Identifiers: Orphanet 46059, MedGen C1846421, MONDO:0011816, OMIM 607330.

Allele frequency attached by ClinVar (database versions not stated): gnomAD 0.00001 and 0.00007; TOPMed 0.00002; 1000 Genomes Project 30x 0.00047; 1000 Genomes Project 0.00060.
gnomAD v4.1: 11 of 152,288 alleles (0.0072%); highest among the groups gnomAD compares: South Asian, 0.21%; no homozygotes.

Submission:

Illumina Laboratory Services, Illumina
Classification: Likely benign for Lathosterolosis. Last evaluated: 2018-01-13. Review status: criteria provided, single submitter. Criteria: ICSL Variant Classification Criteria 13 December 2019. Collection method: clinical testing. Allele origin: germline.
Comment: This variant was observed in the ICSL laboratory as part of a predisposition screen in an ostensibly healthy population. It had not been previously curated by ICSL or reported in the Human Gene Mutation Database (HGMD: prior to June 1st, 2018), and was therefore a candidate for classification through an automated scoring system. Utilizing variant allele frequency, disease prevalence and penetrance estimates, and inheritance mode, an automated score was calculated to assess if this variant is too frequent to cause the disease. Based on the score and internal cut-off values, a variant classified as likely benign is not then subjected to further curation. The score for this variant resulted in a classification of likely benign for this disease.

NM_006918.5(SC5D):c.*2183C>G

Gene: SC5D (sterol-C5-desaturase; plus strand). Cytogenetic location: 11q24.1.
Variant type: single nucleotide variant.
Coding change: c.*2183C>G on transcript NM_006918.5 (MANE Select); 2183 bases downstream of the stop codon, C replaced by G.
Molecular consequence: 3 prime UTR variant.
Genome position (GRCh38, 1-based): chr11:121,309,695, C>G. VCF-style: chr11-121309695-C-G. GRCh37 (hg19) VCF-style: chr11-121180404-C-G.
Other names: c.*2183C>G (NM_001024956.3).
Identifiers: ClinVar variation 303076 (VCV000303076.5), dbSNP rs576310551, ClinGen allele CA10638082.